The following is an entry in ClinVar:

ClinVar aggregate classification (germline): Uncertain significance. Review status: criteria provided, multiple submitters, no conflicts (2 of 4 stars). 2 submissions from 2 submitters: Uncertain significance (2). Last evaluated 2025-07-09.

Conditions:
RP1L1-related disorder. Also called: RP1L1-related condition.
Inborn genetic diseases. Identifiers: MedGen C0950123, MeSH D030342.

gnomAD v4.1: 1 of 1,612,966 alleles (0.000062%); highest among the groups gnomAD compares: East Asian, 0.0022%; no homozygotes.

Submissions (2):

PreventionGenetics, part of Exact Sciences
Classification: Uncertain significance for RP1L1-related condition. Last evaluated: 2025-07-09. Review status: criteria provided, single submitter. Criteria: ACMG Guidelines, 2015. Collection method: clinical testing. Allele origin: germline.
Comment: The RP1L1 c.2885A>T variant is predicted to result in the amino acid substitution p.Asp962Val. To our knowledge, this variant has not been reported in the literature. This variant is reported in 0.0056% of alleles in individuals of East Asian descent in gnomAD. At this time, the clinical significance of this variant is uncertain due to the absence of conclusive functional and genetic evidence.

Ambry Genetics
Classification: Uncertain significance for Inborn genetic diseases. Last evaluated: 2024-09-30. Review status: criteria provided, single submitter. Criteria: Ambry Variant Classification Scheme 2023. Collection method: clinical testing. Allele origin: germline.

NM_178857.6(RP1L1):c.2885A>T (p.Asp962Val)

Gene: RP1L1 (RP1 like 1). Cytogenetic location: 8p23.1.
Variant type: single nucleotide variant.
Coding change: c.2885A>T on transcript NM_178857.6 (MANE Select); coding-DNA position 2885, A replaced by T.
Protein change: p.Asp962Val; replaces aspartic acid 962 with valine.
Molecular consequence: missense variant.
Genome position (GRCh38, 1-based): chr8:10,611,213, T>A on the plus strand (A>T on the coding strand, the complement: RP1L1 is on the minus strand). VCF-style: chr8-10611213-T-A. GRCh37 (hg19) VCF-style: chr8-10468723-T-A.
Other names: short protein forms D962V.
Identifiers: ClinVar variation 3434941 (VCV003434941.2).